The following is an entry in ClinVar:

ClinVar aggregate classification (germline): Uncertain significance (1 of 4 stars; one submission).

Submission:

Labcorp Genetics (formerly Invitae), Labcorp
Classification: Uncertain significance. Last evaluated: 2022-04-09. Review status: criteria provided, single submitter. Criteria: Invitae Variant Classification Sherloc (09022015). Collection method: clinical testing. Allele origin: germline.
Comment: This sequence change replaces alanine, which is neutral and non-polar, with isoleucine, which is neutral and non-polar, at codon 159 of the RASGRP1 protein (p.Ala159Ile). This variant is present in population databases (no rsID available, gnomAD 0.5%). This variant has not been reported in the literature in individuals affected with RASGRP1-related conditions. ClinVar contains an entry for this variant (Variation ID: 1004529). Algorithms developed to predict the effect of missense changes on protein structure and function are either unavailable or do not agree on the potential impact of this missense change (SIFT: "Not Available"; PolyPhen-2: "Benign"; Align-GVGD: "Not Available"). In summary, the available evidence is currently insufficient to determine the role of this variant in disease. Therefore, it has been classified as a Variant of Uncertain Significance.

NM_005739.4(RASGRP1):c.475_476delinsAT (p.Ala159Ile)

Gene: RASGRP1 (RAS guanyl releasing protein 1; minus strand). Cytogenetic location: 15q14.
Variant type: Indel.
Coding change: c.475_476delinsAT on transcript NM_005739.4 (MANE Select); coding-DNA positions 475 to 476, GC replaced by AT.
Protein change: p.Ala159Ile; replaces alanine 159 with isoleucine.
Molecular consequence: missense variant.
Genome position (GRCh38, 1-based): chr15:38,518,337-38,518,338, GC replaced by AT on the plus strand (GC replaced by AT on the coding strand, the reverse complement: RASGRP1 is on the minus strand). VCF-style: chr15-38518337-GC-AT. GRCh37 (hg19) VCF-style: chr15-38810538-GC-AT.
Other names: c.475_476delinsAT, p.Ala159Ile (NM_001128602.2, NM_001306086.2); short protein forms A159I.
Identifiers: ClinVar variation 1004529 (VCV001004529.4), dbSNP rs1891866734, ClinGen allele CA2170888038.
Genomic context (GRCh38, chr15:38,518,337, plus strand): 5'-GACCTTGACACTCACATTTGAGTTGTGTCAATCAGGCGGCAATGTAACTCCTCACCCTTA[GC>AT]TTTCACCAGTTCCTGAAACTCCTCCATAGTGTCTGTCAAGCTGGCGTCCATTTTAAACAT-3'
Protein context (NP_005730.2, residues 149-169): TMEEFQELVK[Ala159Ile]KGEELHCRLI